The following is an entry in ClinVar:

ClinVar aggregate classification (germline): Benign/Likely benign. Review status: criteria provided, multiple submitters, no conflicts (2 of 4 stars). 5 submissions from 5 submitters: Benign (1); Likely benign (3). 1 of the submissions does not count toward it. Last evaluated 2026-01-11.

Conditions:
CARD14-related disorder. Also called: CARD14-related condition.
Pityriasis rubra pilaris (PRP). Also called: Pityriasis rubra pilaris--familial type. Identifiers: Orphanet 2897, MedGen C0032027, MONDO:0100017, OMIM 173200, MONDO:0008251.
Psoriasis 2. Identifiers: MedGen C1864497, MONDO:0011269, OMIM 602723.
Inborn genetic diseases. Identifiers: MedGen C0950123, MeSH D030342.

Allele frequency attached by ClinVar (database versions not stated): gnomAD exomes 0.00019 and 0.00058; ExAC 0.00106; ESP Exome Variant Server 0.00185; gnomAD 0.00196 and 0.00220; 1000 Genomes Project 0.00200; TOPMed 0.00214; 1000 Genomes Project 30x 0.00219.
gnomAD v4.1: 596 of 1,601,484 alleles (0.037%); highest among the groups gnomAD compares: African/African-American, 0.66%; 2 homozygotes.

Submissions (5):

Labcorp Genetics (formerly Invitae), Labcorp
Classification: Benign for Pityriasis rubra pilaris; Psoriasis 2. Last evaluated: 2026-01-11. Review status: criteria provided, single submitter. Criteria: Invitae Variant Classification Sherloc (09022015). Collection method: clinical testing. Allele origin: germline.

Women's Health and Genetics/Laboratory Corporation of America, LabCorp
Classification: Likely benign. Last evaluated: 2024-12-02. Review status: criteria provided, single submitter. Criteria: LabCorp Variant Classification Summary - May 2015. Collection method: clinical testing. Allele origin: germline.

Blueprint Genetics
Classification: Likely benign. Last evaluated: 2024-10-22. Review status: criteria provided, single submitter. Criteria: ACMG Guidelines, 2015. Collection method: clinical testing. Allele origin: germline.

Ambry Genetics
Classification: Likely benign for Inborn genetic diseases. Last evaluated: 2021-07-09. Review status: criteria provided, single submitter. Criteria: Ambry Variant Classification Scheme 2023. Collection method: clinical testing. Allele origin: germline.

PreventionGenetics, part of Exact Sciences
Classification: Likely benign for CARD14-related condition. Last evaluated: 2023-09-12. Review status: no assertion criteria provided. Collection method: clinical testing. Allele origin: germline. Not counted in ClinVar's aggregate classification.
Comment: This variant is classified as likely benign based on ACMG/AMP sequence variant interpretation guidelines (Richards et al. 2015 PMID: 25741868, with internal and published modifications).

NM_001366385.1(CARD14):c.2335G>A (p.Ala779Thr)

Genes: CARD14 (caspase recruitment domain family member 14; plus strand), SGSH (N-sulfoglucosamine sulfohydrolase; minus strand). Cytogenetic location: 17q25.3.
Variant type: single nucleotide variant.
Coding change: c.2335G>A on transcript NM_001366385.1 (MANE Select); coding-DNA position 2335, G replaced by A.
Protein change: p.Ala779Thr; replaces alanine 779 with threonine.
Molecular consequence: missense variant. On other transcripts: non-coding transcript variant (1).
Genome position (GRCh38, 1-based): chr17:80,204,278, G>A. VCF-style: chr17-80204278-G-A. GRCh37 (hg19) VCF-style: chr17-78178077-G-A.
Other names: c.2335G>A (NM_024110.3); c.2335G>A, p.Ala779Thr (NM_024110.4); short protein forms A779T.
Identifiers: ClinVar variation 527888 (VCV000527888.17), dbSNP rs141913003, ClinGen allele CA8817278.